The following is an entry in ClinVar:

NM_007294.4(BRCA1):c.3541G>T (p.Val1181Phe)

Genes: BRCA1 (BRCA1 DNA repair associated; minus strand), LOC126862571 (BRD4-independent group 4 enhancer GRCh37_chr17:41243136-41244335; plus strand). Cytogenetic location: 17q21.31.
Variant type: single nucleotide variant.
Coding change: c.3541G>T on transcript NM_007294.4 (MANE Select); coding-DNA position 3541, G replaced by T.
Protein change: p.Val1181Phe; replaces valine 1181 with phenylalanine.
Molecular consequence: missense variant. On other transcripts: intron variant (135).
Genome position (GRCh38, 1-based): chr17:43,091,990, C>A on the plus strand (G>T on the coding strand, the complement: BRCA1 is on the minus strand). VCF-style: chr17-43091990-C-A. GRCh37 (hg19) VCF-style: chr17-41244007-C-A.
Other names: c.3328G>T, p.Val1110Phe (NM_001407571.1, NM_001407853.1, NM_001407894.1 and 9 more transcripts); c.3541G>T, p.Val1181Phe (NM_001407581.1, NM_001407582.1, NM_001407583.1 and 30 more transcripts); c.3538G>T, p.Val1180Phe (NM_001407587.1, NM_001407590.1, NM_001407591.1 and 22 more transcripts); c.3532G>T, p.Val1178Phe (NM_001407646.1, NM_001407647.1); c.3418G>T, p.Val1140Phe (NM_001407648.1, NM_001407937.1, NM_001407938.1 and 19 more transcripts); c.3415G>T, p.Val1139Phe (NM_001407649.1, NM_001407940.1, NM_001407941.1 and 11 more transcripts); c.3463G>T, p.Val1155Phe (NM_001407653.1, NM_001407654.1, NM_001407655.1 and 4 more transcripts); c.3274G>T, p.Val1092Phe (NM_001407932.1, NM_001407934.1, NM_001407936.1 and 2 more transcripts); and 41 more; short protein forms V1181F, V1134F, V1053F, V1092F, V1111F, V1133F, V1139F, V313F.
Identifiers: ClinVar variation 823906 (VCV000823906.29), dbSNP rs56336919, ClinGen allele CA10594883.

ClinVar aggregate classification (germline): Conflicting classifications of pathogenicity. Review status: criteria provided, conflicting classifications (1 of 4 stars). 5 submissions from 5 submitters: Uncertain significance (4); Likely benign (1). Last evaluated 2025-04-11.

Conditions:
Hereditary breast ovarian cancer syndrome. Also called: Hereditary breast and ovarian cancer syndrome; Hereditary breast and ovarian cancer; Hereditary breast and ovarian cancer syndrome (HBOC); Breast and ovarian cancer; Hereditary breast and/or ovarian cancer syndrome; BRCA1- and BRCA2-Associated Hereditary Breast and Ovarian Cancer. Identifiers: Orphanet 145, MedGen C0677776, MeSH D061325, MONDO:0003582. Disease mechanism: loss of function.
Hereditary cancer-predisposing syndrome. Also called: Neoplastic Syndromes, Hereditary; Tumor predisposition; Hereditary neoplastic syndrome; Hereditary Cancer Syndrome. Identifiers: Orphanet 140162, MedGen C0027672, MeSH D009386, MONDO:0015356.

gnomAD v4.1: 2 of 1,614,060 alleles (0.00012%); highest among the groups gnomAD compares: African/African-American, 0.0013%; no homozygotes.

Submissions (5):

Quest Diagnostics Nichols Institute San Juan Capistrano
Classification: Uncertain significance. Last evaluated: 2025-04-11. Review status: criteria provided, single submitter. Criteria: Quest Diagnostics criteria. Collection method: clinical testing. Allele origin: unknown.
Comment: The BRCA1 c.3541G>T (p.Val1181Phe) variant has not been reported in individuals with BRCA1-related conditions in the published literature, although it was identified in one reportedly unaffected individual in a large scale breast cancer association study (PMID: 33471991 (2021), see also LOVD). It also has not been reported in large, multi-ethnic general populations (Genome Aggregation Database). Analysis of this variant using bioinformatics tools for the prediction of the effect of amino acid changes on protein structure and function yielded conflicting predictions that this variant is benign or damaging. Based on the available information, we are unable to determine the clinical significance of this variant.

Ambry Genetics
Classification: Uncertain significance for Hereditary cancer-predisposing syndrome. Last evaluated: 2024-08-01. Review status: criteria provided, single submitter. Criteria: Ambry Variant Classification Scheme 2023. Collection method: clinical testing. Allele origin: germline.
Comment: The p.V1181F variant (also known as c.3541G>T), located in coding exon 9 of the BRCA1 gene, results from a G to T substitution at nucleotide position 3541. The valine at codon 1181 is replaced by phenylalanine, an amino acid with highly similar properties. This variant has been identified in 1/12502 unselected Japanese colorectal cancer patients and in 3/23702 controls (Fujita M et al. Clin Gastroenterol Hepatol, 2020 Dec). This amino acid position is not well conserved in available vertebrate species. In addition, the in silico prediction for this alteration is inconclusive. Since supporting evidence is limited at this time, the clinical significance of this alteration remains unclear.

Labcorp Genetics (formerly Invitae), Labcorp
Classification: Uncertain significance for Hereditary breast ovarian cancer syndrome. Last evaluated: 2024-04-22. Review status: criteria provided, single submitter. Criteria: Invitae Variant Classification Sherloc (09022015). Collection method: clinical testing. Allele origin: germline.
Comment: This sequence change replaces valine, which is neutral and non-polar, with phenylalanine, which is neutral and non-polar, at codon 1181 of the BRCA1 protein (p.Val1181Phe). This variant is not present in population databases (gnomAD no frequency). This variant has not been reported in the literature in individuals affected with BRCA1-related conditions. ClinVar contains an entry for this variant (Variation ID: 823906). Advanced modeling of protein sequence and biophysical properties (such as structural, functional, and spatial information, amino acid conservation, physicochemical variation, residue mobility, and thermodynamic stability) performed at Invitae indicates that this missense variant is not expected to disrupt BRCA1 protein function with a negative predictive value of 95%. In summary, the available evidence is currently insufficient to determine the role of this variant in disease. Therefore, it has been classified as a Variant of Uncertain Significance.

Women's Health and Genetics/Laboratory Corporation of America, LabCorp
Classification: Uncertain significance. Last evaluated: 2023-04-23. Review status: criteria provided, single submitter. Criteria: LabCorp Variant Classification Summary - May 2015. Collection method: clinical testing. Allele origin: germline.

University of Washington Department of Laboratory Medicine, University of Washington
Classification: Likely benign for Hereditary cancer-predisposing syndrome. Last evaluated: 2023-03-23. Review status: criteria provided, single submitter. Criteria: Dines et al. (Genet Med. 2020). Collection method: curation. Allele origin: germline.
Comment: Missense variant in a coldspot region where missense variants are very unlikely to be pathogenic (PMID:31911673).

BRCA1 coldspot (exon 11 using historical exon numbering). Reclassification based on statistical prior probability

Literature cited by the submitters: PubMed 33471991 (cited by Quest Diagnostics Nichols Institute San Juan Capistrano); PubMed 33309985 (cited by Ambry Genetics).